The following is an entry in ClinVar:

ClinVar aggregate classification (germline): Pathogenic (1 of 4 stars; one submission).

Conditions:
LAMA2-related muscular dystrophy (LAMA2-RD). Also called: Laminin alpha 2-related dystrophy. Identifiers: MedGen C5679788, MONDO:0100228.

Submission:

Labcorp Genetics (formerly Invitae), Labcorp
Classification: Pathogenic for LAMA2-related muscular dystrophy. Last evaluated: 2023-04-03. Review status: criteria provided, single submitter. Criteria: Invitae Variant Classification Sherloc (09022015). Collection method: clinical testing. Allele origin: germline.
Comment: Disruption of this splice site has been observed in individual(s) with congenital muscular dystrophy (PMID: 30055037). ClinVar contains an entry for this variant (Variation ID: 477514). This sequence change affects a donor splice site in intron 5 of the LAMA2 gene. It is expected to disrupt RNA splicing. Variants that disrupt the donor or acceptor splice site typically lead to a loss of protein function (PMID: 16199547), and loss-of-function variants in LAMA2 are known to be pathogenic (PMID: 18700894, 32904964). This variant is not present in population databases (gnomAD no frequency). Algorithms developed to predict the effect of sequence changes on RNA splicing suggest that this variant may disrupt the consensus splice site. For these reasons, this variant has been classified as Pathogenic.

Literature cited by the submitters: PubMed 30055037; PubMed 16199547; PubMed 18700894; PubMed 32904964.

NM_000426.4(LAMA2):c.819+2T>C

Gene: LAMA2 (laminin subunit alpha 2; plus strand). Cytogenetic location: 6q22.33.
Variant type: single nucleotide variant.
Coding change: c.819+2T>C on transcript NM_000426.4 (MANE Select); the canonical splice donor site of the intron after coding-DNA position 819, T replaced by C.
Molecular consequence: splice donor variant.
Genome position (GRCh38, 1-based): chr6:129,144,082, T>C. VCF-style: chr6-129144082-T-C. GRCh37 (hg19) VCF-style: chr6-129465227-T-C.
Other names: c.819+2T>C (NM_001079823.2).
Identifiers: ClinVar variation 477514 (VCV000477514.9), dbSNP rs1554226188, ClinGen allele CA365606255.